The following is an entry in ClinVar:

NM_001256071.3(RNF213):c.164_172del (p.Leu55_Glu58delinsGln)

Gene: RNF213 (ring finger protein 213; plus strand). Cytogenetic location: 17q25.3.
Variant type: Deletion.
Coding change: c.164_172del on transcript NM_001256071.3 (MANE Select); coding-DNA positions 164 to 172, 9 bases deleted (TGAAGGAGG; older notation c.164_172delTGAAGGAGG).
Protein change: p.Leu55_Glu58delinsGln.
Molecular consequence: inframe indel.
Genome position (GRCh38, 1-based): chr17:80,273,307-80,273,315, TGAAGGAGG deleted. VCF-style (leftmost placement, unchanged base first): chr17-80273306-CTGAAGGAGG-C. GRCh37 (hg19) VCF-style: chr17-78247105-CTGAAGGAGG-C.
Other names: c.164_172del, p.Leu55_Glu58delinsGln (NM_001410195.1, NM_020914.5, NM_020954.4).
Identifiers: ClinVar variation 4538731 (VCV004538731.1).

ClinVar aggregate classification (germline): Uncertain significance (1 of 4 stars; one submission).

Submission:

GeneDx
Classification: Uncertain significance. Last evaluated: 2025-06-17. Review status: criteria provided, single submitter. Criteria: GeneDx Variant Classification Process June 2021. Collection method: clinical testing. Allele origin: germline. Affected: yes.
Comment: Not observed at significant frequency in large population cohorts (gnomAD); In-frame deletion of 4 amino acid(s) and insertion of 1 different amino acid(s) in a non-repeat region; In silico analysis suggests that this variant does not alter protein structure/function; Has not been previously published as pathogenic or benign to our knowledge